The following is an entry in ClinVar:

ClinVar aggregate classification (germline): Uncertain significance (1 of 4 stars; one submission).

Conditions:
Autosomal recessive limb-girdle muscular dystrophy type R18 (LGMDR18). Also called: Limb-girdle muscular dystrophy, type 2S; Autosomal recessive limb-girdle muscular dystrophy type 2S; MUSCULAR DYSTROPHY, LIMB-GIRDLE, AUTOSOMAL RECESSIVE 18. Identifiers: Orphanet 369840, MedGen C4517996, MONDO:0014144, OMIM 615356.

Submission:

Labcorp Genetics (formerly Invitae), Labcorp
Classification: Uncertain significance for Autosomal recessive limb-girdle muscular dystrophy type R18. Last evaluated: 2022-07-02. Review status: criteria provided, single submitter. Criteria: Invitae Variant Classification Sherloc (09022015). Collection method: clinical testing. Allele origin: germline.
Comment: In summary, the available evidence is currently insufficient to determine the role of this variant in disease. Therefore, it has been classified as a Variant of Uncertain Significance. Algorithms developed to predict the effect of missense changes on protein structure and function output the following: SIFT: "Tolerated"; PolyPhen-2: "Benign"; Align-GVGD: "Class C0". The glutamic acid amino acid residue is found in multiple mammalian species, which suggests that this missense change does not adversely affect protein function. This variant has not been reported in the literature in individuals affected with TRAPPC11-related conditions. This variant is not present in population databases (gnomAD no frequency). This sequence change replaces lysine, which is basic and polar, with glutamic acid, which is acidic and polar, at codon 781 of the TRAPPC11 protein (p.Lys781Glu).

NM_021942.6(TRAPPC11):c.2341A>G (p.Lys781Glu)

Genes: TRAPPC11 (trafficking protein particle complex subunit 11; plus strand), LOC126807238 (BRD4-independent group 4 enhancer GRCh37_chr4:184614366-184615565; plus strand). Cytogenetic location: 4q35.1.
Variant type: single nucleotide variant.
Coding change: c.2341A>G on transcript NM_021942.6 (MANE Select); coding-DNA position 2341, A replaced by G.
Protein change: p.Lys781Glu; replaces lysine 781 with glutamic acid.
Molecular consequence: missense variant.
Genome position (GRCh38, 1-based): chr4:183,693,692, A>G. VCF-style: chr4-183693692-A-G. GRCh37 (hg19) VCF-style: chr4-184614845-A-G.
Other names: c.2341A>G, p.Lys781Glu (NM_199053.3); short protein forms K781E.
Identifiers: ClinVar variation 2013264 (VCV002013264.4), dbSNP rs2476914040, ClinGen allele CA358871499.